The following is an entry in ClinVar:

NM_019892.6(INPP5E):c.82C>G (p.Pro28Ala)

Gene: INPP5E (inositol polyphosphate-5-phosphatase E; minus strand). Cytogenetic location: 9q34.3.
Variant type: single nucleotide variant.
Coding change: c.82C>G on transcript NM_019892.6 (MANE Select); coding-DNA position 82, C replaced by G.
Protein change: p.Pro28Ala; replaces proline 28 with alanine.
Molecular consequence: missense variant.
Genome position (GRCh38, 1-based): chr9:136,439,338, G>C on the plus strand (C>G on the coding strand, the complement: INPP5E is on the minus strand). VCF-style: chr9-136439338-G-C. GRCh37 (hg19) VCF-style: chr9-139333790-G-C.
Other names: c.82C>G, p.Pro28Ala (NM_001318502.2); short protein forms P28A.
Identifiers: ClinVar variation 2185692 (VCV002185692.2), dbSNP rs2538895984, ClinGen allele CA375571541.

ClinVar aggregate classification (germline): Uncertain significance (1 of 4 stars; one submission).

Conditions:
Joubert syndrome. Also called: CEREBELLOPARENCHYMAL DISORDER IV; JOUBERT-BOLTSHAUSER SYNDROME; Familial aplasia of the vermis. Identifiers: Orphanet 475, MedGen C5979921, MONDO:0018772.

Submission:

Labcorp Genetics (formerly Invitae), Labcorp
Classification: Uncertain significance for Joubert syndrome. Last evaluated: 2022-05-07. Review status: criteria provided, single submitter. Criteria: Invitae Variant Classification Sherloc (09022015). Collection method: clinical testing. Allele origin: germline.
Comment: This sequence change replaces proline, which is neutral and non-polar, with alanine, which is neutral and non-polar, at codon 28 of the INPP5E protein (p.Pro28Ala). This variant is not present in population databases (gnomAD no frequency). This variant has not been reported in the literature in individuals affected with INPP5E-related conditions. Advanced modeling of protein sequence and biophysical properties (such as structural, functional, and spatial information, amino acid conservation, physicochemical variation, residue mobility, and thermodynamic stability) performed at Invitae indicates that this missense variant is not expected to disrupt INPP5E protein function. In summary, the available evidence is currently insufficient to determine the role of this variant in disease. Therefore, it has been classified as a Variant of Uncertain Significance.